The following is an entry in ClinVar:

NM_000834.5(GRIN2B):c.1556G>A (p.Arg519Gln)

Gene: GRIN2B (glutamate ionotropic receptor NMDA type subunit 2B; minus strand). Cytogenetic location: 12p13.1.
Variant type: single nucleotide variant.
Coding change: c.1556G>A on transcript NM_000834.5 (MANE Select); coding-DNA position 1556, G replaced by A.
Protein change: p.Arg519Gln; replaces arginine 519 with glutamine.
Molecular consequence: missense variant.
Genome position (GRCh38, 1-based): chr12:13,615,212, C>T on the plus strand (G>A on the coding strand, the complement: GRIN2B is on the minus strand). VCF-style: chr12-13615212-C-T. GRCh37 (hg19) VCF-style: chr12-13768146-C-T.
Other names: short protein forms R519Q.
Identifiers: ClinVar variation 981287 (VCV000981287.6), dbSNP rs2497598118, ClinGen allele CA384051885.

ClinVar aggregate classification (germline): Likely pathogenic. Review status: criteria provided, multiple submitters, no conflicts (2 of 4 stars). 5 submissions from 5 submitters: Likely pathogenic (3). 2 of the submissions do not count toward it. Last evaluated 2022-11-18.

Conditions:
Intellectual developmental disorder, autosomal dominant 6, with or without seizures. Also called: Intellectual disability, autosomal dominant 6; GRIN2B-related developmental delay, intellectual disability and autism spectrum disorder. Identifiers: Orphanet 589547, MedGen C3151411, MONDO:0013509, OMIM 613970.
GRIN2B-related disorder. Also called: GRIN2B-related condition.
Developmental and epileptic encephalopathy, 27 (DEE27). Also called: GRIN2B-Related Neurodevelopmental Disorder; Epileptic encephalopathy, early infantile, 27. Identifiers: Orphanet 3451, MedGen C4015316, MONDO:0014505, OMIM 616139.
Intellectual disability. Also called: Intellectual developmental disorder; Intellectual functioning disability; intellectual disabilities. Identifiers: MedGen C3714756, MeSH D008607, MONDO:0001071, HP:0001249.

Submissions (5):

Institute of Medical Genetics and Applied Genomics, University Hospital Tübingen
Classification: Likely pathogenic for Intellectual developmental disorder, autosomal dominant 6, with or without seizures; Developmental and epileptic encephalopathy, 27. Last evaluated: 2022-11-18. Review status: criteria provided, single submitter. Criteria: ACMG Guidelines, 2015. Collection method: clinical testing. Allele origin: germline. Inheritance: Autosomal dominant inheritance. Affected: yes.

Diagnostic Laboratory, Strasbourg University Hospital
Classification: Likely pathogenic for Intellectual disability. Last evaluated: 2020-09-10. Review status: criteria provided, single submitter. Criteria: ACMG Guidelines, 2015. Collection method: clinical testing. Allele origin: de novo. Affected: yes. Observed: 1 heterozygote.

Clinical Genetics Service, Universitary Hospital 12 de Octubre
Classification: Likely pathogenic for Intellectual developmental disorder, autosomal dominant 6, with or without seizures. Review status: criteria provided, single submitter. Criteria: ACMG Guidelines, 2015. Collection method: clinical testing. Allele origin: germline. Affected: yes.

PreventionGenetics, part of Exact Sciences
Classification: Likely pathogenic for GRIN2B-related condition. Last evaluated: 2024-06-19. Review status: no assertion criteria provided. Collection method: clinical testing. Allele origin: germline. Not counted in ClinVar's aggregate classification.
Comment: The GRIN2B c.1556G>A variant is predicted to result in the amino acid substitution p.Arg519Gln. This variant was reported in at least one individual with undefined neurodevelopmental disorder/autism (Dataset 4&5, Wang et al 2020. PubMed ID: 33004838; Dataset 2, Zhou et al. 2022. PubMed ID: 35982159). This variant has not been reported in a large population database, indicating it is rare. This variant is interpreted as likely pathogenic.

Service de Génétique Moléculaire, Hôpital Robert Debré
Classification: Pathogenic for Developmental and epileptic encephalopathy, 27; Intellectual developmental disorder, autosomal dominant 6, with or without seizures. Review status: no assertion criteria provided. Collection method: clinical testing. Allele origin: de novo. Affected: yes. Not counted in ClinVar's aggregate classification.